The following is an entry in ClinVar:

ClinVar aggregate classification (germline): Uncertain significance (1 of 4 stars; one submission).

Allele frequency attached by ClinVar (database versions not stated): TOPMed below 0.00001; gnomAD 0.00001.

Submission:

Labcorp Genetics (formerly Invitae), Labcorp
Classification: Uncertain significance. Last evaluated: 2025-03-03. Review status: criteria provided, single submitter. Criteria: Invitae Variant Classification Sherloc (09022015). Collection method: clinical testing. Allele origin: germline.
Comment: This sequence change replaces glycine, which is neutral and non-polar, with arginine, which is basic and polar, at codon 357 of the PTH1R protein (p.Gly357Arg). This variant is not present in population databases (gnomAD no frequency). This variant has not been reported in the literature in individuals affected with PTH1R-related conditions. ClinVar contains an entry for this variant (Variation ID: 1434486). Invitae Evidence Modeling of protein sequence and biophysical properties (such as structural, functional, and spatial information, amino acid conservation, physicochemical variation, residue mobility, and thermodynamic stability) indicates that this missense variant is not expected to disrupt PTH1R protein function with a negative predictive value of 80%. In summary, the available evidence is currently insufficient to determine the role of this variant in disease. Therefore, it has been classified as a Variant of Uncertain Significance.

NM_000316.3(PTH1R):c.1069G>A (p.Gly357Arg)

Gene: PTH1R (parathyroid hormone 1 receptor; plus strand). Cytogenetic location: 3p21.31.
Variant type: single nucleotide variant.
Coding change: c.1069G>A on transcript NM_000316.3 (MANE Select); coding-DNA position 1069, G replaced by A.
Protein change: p.Gly357Arg; replaces glycine 357 with arginine.
Molecular consequence: missense variant.
Genome position (GRCh38, 1-based): chr3:46,901,433, G>A. VCF-style: chr3-46901433-G-A. GRCh37 (hg19) VCF-style: chr3-46942923-G-A.
Other names: c.1069G>A, p.Gly357Arg (NM_001184744.1); short protein forms G357R.
Identifiers: ClinVar variation 1434486 (VCV001434486.6), dbSNP rs773422838, ClinGen allele CA73771615.
Genomic context (GRCh38, chr3:46,901,433, plus strand): 5'-GGAACAGGAGGGATGGGAGCTAATGCCTCAACCTCCCCCAGGTGCTGGGACTTGAGCTCC[G>A]GGAACAAAAAGTGGATCATCCAGGTGCCCATCCTGGCCTCCATTGTGGTGAGCAGGGGTG-3'
Protein context (NP_000307.1, residues 347-367): ANTGCWDLSS[Gly357Arg]NKKWIIQVPI